The following is an entry in ClinVar:

ClinVar aggregate classification (germline): Uncertain significance. Review status: criteria provided, multiple submitters, no conflicts (2 of 4 stars). 2 submissions from 2 submitters: Uncertain significance (2). Last evaluated 2024-04-04.

Conditions:
Bethlem myopathy 1A. Also called: Bethlem myopathy 1; MYOPATHY, BENIGN CONGENITAL, WITH CONTRACTURES; Bethlem Muscular Dystrophy. Identifiers: Orphanet 610, MedGen CN029274, MONDO:0024530, OMIM 158810.

Submissions (2):

Revvity Omics, Revvity
Classification: Uncertain significance. Last evaluated: 2024-04-04. Review status: criteria provided, single submitter. Criteria: ACMG Guidelines, 2015. Collection method: clinical testing. Allele origin: germline.

Labcorp Genetics (formerly Invitae), Labcorp
Classification: Uncertain significance for Bethlem myopathy 1A. Last evaluated: 2022-01-02. Review status: criteria provided, single submitter. Criteria: Invitae Variant Classification Sherloc (09022015). Collection method: clinical testing. Allele origin: germline.
Comment: ClinVar contains an entry for this variant (Variation ID: 583349). Advanced modeling of protein sequence and biophysical properties (such as structural, functional, and spatial information, amino acid conservation, physicochemical variation, residue mobility, and thermodynamic stability) performed at Invitae indicates that this missense variant is not expected to disrupt COL6A2 protein function. In summary, the available evidence is currently insufficient to determine the role of this variant in disease. Therefore, it has been classified as a Variant of Uncertain Significance. This variant has not been reported in the literature in individuals affected with COL6A2-related conditions. This sequence change replaces glutamine, which is neutral and polar, with histidine, which is basic and polar, at codon 89 of the COL6A2 protein (p.Gln89His). This variant is not present in population databases (gnomAD no frequency).

NM_001849.4(COL6A2):c.267G>C (p.Gln89His)

Gene: COL6A2 (collagen type VI alpha 2 chain; plus strand). Cytogenetic location: 21q22.3.
Variant type: single nucleotide variant.
Coding change: c.267G>C on transcript NM_001849.4 (MANE Select); coding-DNA position 267, G replaced by C.
Protein change: p.Gln89His; replaces glutamine 89 with histidine.
Molecular consequence: missense variant.
Genome position (GRCh38, 1-based): chr21:46,112,130, G>C. VCF-style: chr21-46112130-G-C. GRCh37 (hg19) VCF-style: chr21-47532044-G-C.
Other names: c.267G>C, p.Gln89His (NM_058174.3, NM_058175.3); short protein forms Q89H.
Identifiers: ClinVar variation 583349 (VCV000583349.11), dbSNP rs1452398707, ClinGen allele CA410520503.